The following is an entry in ClinVar:

ClinVar aggregate classification (germline): Benign (1 of 4 stars; one submission).

Conditions:
Melanoma, cutaneous malignant, susceptibility to, 3. Also called: Cutaneous malignant melanoma 3. Identifiers: Orphanet 618, MedGen C1836892, MONDO:0012183, OMIM 609048.

Submission:

Myriad Genetics, Inc.
Classification: Benign for Melanoma, cutaneous malignant, susceptibility to, 3. Last evaluated: 2024-09-24. Review status: criteria provided, single submitter. Criteria: Myriad Autosomal Dominant, Autosomal Recessive and X-Linked Classification Criteria (2023). Collection method: clinical testing. Allele origin: unknown.
Comment: This variant is considered benign. This variant is a silent/synonymous amino acid change and it is not expected to impact splicing.

NM_000075.4(CDK4):c.186A>C (p.Arg62=)

Genes: CDK4 (cyclin dependent kinase 4; minus strand), LOC130008148 (ATAC-STARR-seq lymphoblastoid silent region 4588; plus strand). Cytogenetic location: 12q14.1.
Variant type: single nucleotide variant.
Coding change: c.186A>C on transcript NM_000075.4 (MANE Select); coding-DNA position 186, A replaced by C.
Protein change: p.Arg62=; no amino-acid change (arginine 62 retained).
Molecular consequence: synonymous variant.
Genome position (GRCh38, 1-based): chr12:57,751,532, T>G on the plus strand (A>C on the coding strand, the complement: CDK4 is on the minus strand). VCF-style: chr12-57751532-T-G. GRCh37 (hg19) VCF-style: chr12-58145315-T-G.
Identifiers: ClinVar variation 3378569 (VCV003378569.1).